The following is an entry in ClinVar:

ClinVar aggregate classification (germline): Uncertain significance. Review status: criteria provided, multiple submitters, no conflicts (2 of 4 stars). 2 submissions from 2 submitters: Uncertain significance (2). Last evaluated 2026-01-21.

Conditions:
Hereditary cancer-predisposing syndrome. Also called: Hereditary Cancer Syndrome; Hereditary neoplastic syndrome; Tumor predisposition; Neoplastic Syndromes, Hereditary. Identifiers: Orphanet 140162, MedGen C0027672, MeSH D009386, MONDO:0015356.

Allele frequency attached by ClinVar (database versions not stated): gnomAD below 0.00001 and 0.00001; gnomAD exomes below 0.00001; TOPMed 0.00001.
gnomAD v4.1: 3 of 1,613,964 alleles (0.00019%); highest among the groups gnomAD compares: South Asian, 0.0011%; no homozygotes.

Submissions (2):

Labcorp Genetics (formerly Invitae), Labcorp
Classification: Uncertain significance. Last evaluated: 2026-01-21. Review status: criteria provided, single submitter. Criteria: Invitae Variant Classification Sherloc (09022015). Collection method: clinical testing. Allele origin: germline.
Comment: This sequence change replaces alanine, which is neutral and non-polar, with threonine, which is neutral and polar, at codon 104 of the FH protein (p.Ala104Thr). This variant is not present in population databases (gnomAD no frequency). This variant has not been reported in the literature in individuals affected with FH-related conditions. ClinVar contains an entry for this variant (Variation ID: 841162). Invitae Evidence Modeling of protein sequence and biophysical properties (such as structural, functional, and spatial information, amino acid conservation, physicochemical variation, residue mobility, and thermodynamic stability) indicates that this missense variant is expected to disrupt FH protein function with a positive predictive value of 95%. In summary, the available evidence is currently insufficient to determine the role of this variant in disease. Therefore, it has been classified as a Variant of Uncertain Significance.

Ambry Genetics
Classification: Uncertain significance for Hereditary cancer-predisposing syndrome. Last evaluated: 2025-04-02. Review status: criteria provided, single submitter. Criteria: Ambry Variant Classification Scheme 2023. Collection method: clinical testing. Allele origin: germline.
Comment: The p.A104T variant (also known as c.310G>A), located in coding exon 3 of the FH gene, results from a G to A substitution at nucleotide position 310. The alanine at codon 104 is replaced by threonine, an amino acid with similar properties. This variant has been identified as homozygous in at least one individual with no reported features of fumarate hydratase deficiency (Ambry internal data). This amino acid position is highly conserved in available vertebrate species. In addition, this alteration is predicted to be deleterious by in silico analysis. Based on the available evidence, the clinical significance of this variant remains unclear.

NM_000143.4(FH):c.310G>A (p.Ala104Thr)

Gene: FH (fumarate hydratase; minus strand). Cytogenetic location: 1q43.
Variant type: single nucleotide variant.
Coding change: c.310G>A on transcript NM_000143.4 (MANE Select); coding-DNA position 310, G replaced by A.
Protein change: p.Ala104Thr; replaces alanine 104 with threonine.
Molecular consequence: missense variant.
Genome position (GRCh38, 1-based): chr1:241,513,671, C>T on the plus strand (G>A on the coding strand, the complement: FH is on the minus strand). VCF-style: chr1-241513671-C-T. GRCh37 (hg19) VCF-style: chr1-241676971-C-T.
Other names: short protein forms A104T.
Identifiers: ClinVar variation 841162 (VCV000841162.14), dbSNP rs1303488878, ClinGen allele CA345440826.
Genomic context (GRCh38, chr1:241,513,671, plus strand): 5'-CTGCCTTCATTATTGCATTAGCAATCTTTGGATCAAGACCATAATCCTGGTTTACTTCAG[C>T]GGCCGCTCGCTTCAAGATGCCAAAAGCTTTAATAACTGGGGTCTAAAATTAATCAGAAAA-3'
Protein context (NP_000134.2, residues 94-114): KAFGILKRAA[Ala104Thr]EVNQDYGLDP